The following is an entry in ClinVar:

ClinVar aggregate classification (germline): Pathogenic/Likely pathogenic. Review status: criteria provided, multiple submitters, no conflicts (2 of 4 stars). 15 submissions from 15 submitters: Pathogenic (7); Likely pathogenic (3). 5 of the submissions do not count toward it. Last evaluated 2026-07-29.

Conditions:
DHCR7-related disorder. Also called: DHCR7-related condition.
Smith-Lemli-Opitz syndrome (SLOS). Also called: RSH SYNDROME; RUTLEDGE LETHAL MULTIPLE CONGENITAL ANOMALY SYNDROME; LETHAL ACRODYSGENITAL SYNDROME; 7-Dehydrocholesterol reductase deficiency; POLYDACTYLY, SEX REVERSAL, RENAL HYPOPLASIA, AND UNILOBAR LUNG. Identifiers: Orphanet 818, MedGen C0175694, MONDO:0010035, OMIM 270400.

Allele frequency attached by ClinVar (database versions not stated): gnomAD exomes 0.00002 and 0.00004; ExAC 0.00002; gnomAD 0.00004 and 0.00003; TOPMed 0.00002.
gnomAD v4.1: 69 of 1,613,934 alleles (0.0043%); highest among the groups gnomAD compares: Non-Finnish European, 0.0051%; no homozygotes.

Submissions (15):

GeneDx
Classification: Pathogenic. Last evaluated: 2026-07-29. Review status: criteria provided, single submitter. Criteria: GeneDx Variant Classification Process June 2021. Collection method: clinical testing. Allele origin: germline.
Comment: Not observed at significant frequency in large population cohorts (gnomAD); In silico analysis supports that this missense variant has a deleterious effect on protein structure/function; This variant is associated with the following publications: (PMID: 16207203, 11427181, 22975760, 23319240, 10995508, 16044199, 20301322, 29961769, 28166604, 27415407, 15776424, 31589614, 38167091, 12818773, 23293579, Lamazire2025[Preprint])

Natera, Inc.
Classification: Pathogenic for Smith-Lemli-Opitz syndrome. Last evaluated: 2026-01-24. Review status: criteria provided, single submitter. Criteria: Natera Variant Classification Schema (03/2026). Collection method: clinical testing. Allele origin: germline.
Comment: The c.725G>A variant in DHCR7 is a missense variant predicted to cause substitution of arginine to histidine at amino acid 242. This variant is rare in the general population with a frequency below the threshold expected for the associated phenotype(s). This variant has been observed in one or more individuals affected with the associated recessive disease, as either homozygous or compound heterozygous with a second variant (PMID: 16044199, 10995508, 11427181). Computational prediction algorithms indicate this variant is likely to affect gene or protein function. Given the available evidence, this variant is classified as Pathogenic.

Labcorp Genetics (formerly Invitae), Labcorp
Classification: Pathogenic for Smith-Lemli-Opitz syndrome. Last evaluated: 2025-10-15. Review status: criteria provided, single submitter. Criteria: Invitae Variant Classification Sherloc (09022015). Collection method: clinical testing. Allele origin: germline.
Comment: This sequence change replaces arginine, which is basic and polar, with histidine, which is basic and polar, at codon 242 of the DHCR7 protein (p.Arg242His). This variant is present in population databases (rs80338857, gnomAD 0.005%). This missense change has been observed in individual(s) with Smith-Lemli-Opitz syndrome and combined with other DHCR7 variants in several individuals with this condition (PMID: 10995508, 11427181, 12818773, 15776424, 16044199). In at least one individual the data is consistent with being in trans (on the opposite chromosome) from a pathogenic variant. ClinVar contains an entry for this variant (Variation ID: 21276). Invitae Evidence Modeling of protein sequence and biophysical properties (such as structural, functional, and spatial information, amino acid conservation, physicochemical variation, residue mobility, and thermodynamic stability) indicates that this missense variant is expected to disrupt DHCR7 protein function with a positive predictive value of 95%. This variant disrupts the p.Arg242 amino acid residue in DHCR7. Other variant(s) that disrupt this residue have been determined to be pathogenic (PMID: 10405455, 10677299, 10995508, 15464432, 15954111, 26969503). This suggests that this residue is clinically significant, and that variants that disrupt this residue are likely to be disease-causing. For these reasons, this variant has been classified as Pathogenic.

PreventionGenetics, part of Exact Sciences
Classification: Pathogenic for DHCR7-related condition. Last evaluated: 2025-07-30. Review status: criteria provided, single submitter. Criteria: ACMG Guidelines, 2015. Collection method: clinical testing. Allele origin: germline.
Comment: The DHCR7 c.725G>A variant is predicted to result in the amino acid substitution p.Arg242His. This variant has been reported with a second DHCR7 variant in individuals with Smith-Lemli-Opitz syndrome (see, for example: Krakowiak et al. 2000. PubMed ID: 10995508; Jira et al. 2001. PubMed ID: 11427181; Witsch-Baumgartner et al. 2005. PubMed ID: 15776424). Another missense variant affecting the same amino acid (p.Arg242Cys) as well as other nearby amino acid substitutions (p.Pro243Arg, p.Gly244Arg) have also been reported in individuals with Smith-Lemli-Opitz syndrome (Neklason et al. 1999. PubMed ID: 10405455; Yu et al. 2000. PubMed ID: 10814720; Waterham et al. 1998. PubMed ID: 9683613). This variant is reported in 0.0050% of alleles in individuals of East Asian descent in gnomAD. This variant is interpreted as pathogenic.

Laboratory of Medical Genetics, National & Kapodistrian University of Athens
Classification: Pathogenic for Smith-Lemli-Opitz syndrome. Last evaluated: 2024-02-01. Review status: criteria provided, single submitter. Criteria: ACMG Guidelines, 2015. Collection method: curation. Allele origin: germline. Affected: no.

Fulgent Genetics
Classification: Likely pathogenic for Smith-Lemli-Opitz syndrome. Last evaluated: 2024-01-12. Review status: criteria provided, single submitter. Criteria: ACMG Guidelines, 2015. Collection method: clinical testing. Allele origin: germline.

Myriad Genetics, Inc.
Classification: Likely pathogenic for Smith-Lemli-Opitz syndrome. Last evaluated: 2019-12-20. Review status: criteria provided, single submitter. Criteria: Myriad Women's Health Autosomal Recessive and X-Linked Classification Criteria (2019). Collection method: clinical testing. Allele origin: unknown.
Comment: NM_001360.2(DHCR7):c.725G>A(R242H) is classified as likely pathogenic in the context of Smith-Lemli-Opitz syndrome. Sources cited for classification include the following: PMID 16044199, 11427181, 12818773, 23293579 and 10995508. Classification of NM_001360.2(DHCR7):c.725G>A(R242H) is based on the following criteria: This variant has been observed more frequently in patients with clinical diagnoses than in healthy populations. Please note: this variant was assessed in the context of healthy population screening.â€šÃ„Ã¶âˆšÃ‘âˆšÂ£

Women's Health and Genetics/Laboratory Corporation of America, LabCorp
Classification: Pathogenic for Smith-Lemli-Opitz syndrome. Last evaluated: 2017-03-10. Review status: criteria provided, single submitter. Criteria: LabCorp Variant Classification Summary - May 2015. Collection method: clinical testing. Allele origin: germline.
Comment: Variant summary: The DHCR7 c.725G>A (p.Arg242His) variant located in the transmembrane domain involves the alteration of a conserved nucleotide and is predicted to be damaging by 5/5 in silico tools. This variant was found in 27/569654 control chromosomes (all heterozygotes) including ExAC at a frequency of 0.0000474, which does not exceed the estimated maximal expected allele frequency of a pathogenic DHCR7 variant (0.0043301). This variant is one of twelve frequent mutations causing SmithLemliOpitz syndrome (Bianconi_2015) and is reported in at least five independent patients with SmithLemliOpitz syndrome in compound heterozygous state with another pathogenic/likely pathogenic variants (Krakowiak_2001, Jira_2001, Witsch-Baumgartner _2001, Matsumoto_2005, Wassif_2005, Li_2016). Biochemical analysis of DHC and cholesterol levels as well as enzymatic evaluation in fibroblast cells from patients with this variant is supportive of functional impairment due this variant. Another missense change at this residue p.Arg242Cys is a known pathogenic variant, further highlighting functional significance of this residue. In addition, multiple reputable databases have classified this variant as pathogenic. Taken together, this variant is classified as Pathogenic.

Juno Genomics, Hangzhou Juno Genomics, Inc
Classification: Pathogenic for Smith-Lemli-Opitz syndrome. Review status: criteria provided, single submitter. Criteria: ACMG Guidelines, 2015. Collection method: clinical testing. Allele origin: germline.
Comment: Absent from controls (or at extremely low frequency if recessive) in Genome Aggregation Database.;Multiple lines of computational evidence support a deleterious effect on the gene or gene product.;For recessive disorders, detected in trans with a pathogenic variant.;Novel missense change at an amino acid residue where a different missense change determined to be pathogenic has been seen before.

Lifecell International Pvt. Ltd
Classification: Likely pathogenic for Smith-Lemli-Opitz syndrome. Review status: criteria provided, single submitter. Criteria: ACMG Guidelines, 2015. Collection method: clinical testing. Allele origin: germline. Inheritance: Autosomal recessive inheritance. Affected: yes. Observed: 1 compound heterozygote.
Comment: A Heterozygous Missense variant c.725G>A in Exon 7 of the DHCR7 gene that results in the amino acid substitution p.Arg242His was identified. The observed variant has a maximum allele frequency of 0.00002/0.00006% in gnomAD exomes and genomes, respectively. The severity of the impact of this variant on the protein is medium, based on the effect of the protein and REVEL score . Rare Exome Variant Ensemble Learner (REVEL) is an ensembl method for predicting the pathogenicity of missense variants based on a combination of scores from 13 individual tools: MutPred, FATHMM v2.3, VEST 3.0, PolyPhen-2, SIFT, PROVEAN, MutationAssessor, MutationTaster, LRT, GERP++, SiPhy, phyloP, and phastCons. The REVEL score for an individual missense variant can range from 0 to 1, with higher scores reflecting greater likelihood that the variant is disease-causing. ClinVar has also classified this variant as Pathogenic/ Likely Pathogenic [Variant ID: 21276]. The observed variant has been previously reported in patients affected with Smith-Lemli-Opitz syndrome (Balogh, I et al., 2012). Furthermore, experimental studies showed the variant disrupts the DHCR7 protein function (Neklason, D W et al., 1999). For these reasons, this variant has been classified as Likely Pathogenic.

SingHealth Duke-NUS Institute of Precision Medicine
Classification: Likely pathogenic for Smith-Lemli-Opitz syndrome. Last evaluated: 2017-06-07. Review status: no assertion criteria provided. Collection method: curation. Allele origin: germline. Affected: no. Not counted in ClinVar's aggregate classification.

Clinical Genetics DNA and cytogenetics Diagnostics Lab, Erasmus MC, Erasmus Medical Center
Classification: Pathogenic. Review status: no assertion criteria provided. Collection method: clinical testing. Allele origin: germline. Affected: yes. Study: VKGL Data-share Consensus. Not counted in ClinVar's aggregate classification.

Diagnostic Laboratory, Department of Genetics, University Medical Center Groningen
Classification: Pathogenic. Review status: no assertion criteria provided. Collection method: clinical testing. Allele origin: germline. Affected: yes. Study: VKGL Data-share Consensus. Not counted in ClinVar's aggregate classification.

GeneReviews
No classification provided. Condition: Smith-Lemli-Opitz syndrome. Review status: no classification provided. Collection method: literature only. Allele origin: unknown. Not counted in ClinVar's aggregate classification.

Genome Diagnostics Laboratory, Amsterdam University Medical Center
Classification: Pathogenic. Review status: no assertion criteria provided. Collection method: clinical testing. Allele origin: germline. Affected: yes. Study: VKGL Data-share Consensus. Not counted in ClinVar's aggregate classification.

Literature cited by the submitters: PubMed 16044199 (cited by 3 submitters); PubMed 10995508 (cited by 3 submitters); PubMed 11427181 (cited by 3 submitters); PubMed 12818773 (cited by Labcorp Genetics (formerly Invitae), Labcorp and Myriad Genetics, Inc.); PubMed 15776424 (cited by Labcorp Genetics (formerly Invitae), Labcorp and Women's Health and Genetics/Laboratory Corporation of America, LabCorp); PubMed 10405455 (cited by Labcorp Genetics (formerly Invitae), Labcorp and Lifecell International Pvt. Ltd); PubMed 10677299 (cited by Labcorp Genetics (formerly Invitae), Labcorp); PubMed 15464432 (cited by Labcorp Genetics (formerly Invitae), Labcorp); PubMed 15954111 (cited by Labcorp Genetics (formerly Invitae), Labcorp); PubMed 26969503 (cited by Labcorp Genetics (formerly Invitae), Labcorp); PubMed 23293579 (cited by Myriad Genetics, Inc. and Lifecell International Pvt. Ltd); PubMed 22975760 (cited by Women's Health and Genetics/Laboratory Corporation of America, LabCorp); PubMed 16207203 (cited by GeneReviews); PubMed 20301322 (cited by GeneReviews); NCBI Bookshelf NBK1143 (cited by GeneReviews).

NM_001360.3(DHCR7):c.725G>A (p.Arg242His)

Gene: DHCR7 (7-dehydrocholesterol reductase; minus strand). Cytogenetic location: 11q13.4.
Variant type: single nucleotide variant.
Coding change: c.725G>A on transcript NM_001360.3 (MANE Select); coding-DNA position 725, G replaced by A.
Protein change: p.Arg242His; replaces arginine 242 with histidine.
Molecular consequence: missense variant.
Genome position (GRCh38, 1-based): chr11:71,438,985, C>T on the plus strand (G>A on the coding strand, the complement: DHCR7 is on the minus strand). VCF-style: chr11-71438985-C-T. GRCh37 (hg19) VCF-style: chr11-71150031-C-T.
Other names: c.725G>A, p.Arg242His (NM_001163817.2); short protein forms R242H.
Identifiers: ClinVar variation 21276 (VCV000021276.41), dbSNP rs80338857, ClinGen allele CA341830.